The following is an entry in ClinVar:

NM_139058.3(ARX):c.983A>G (p.Gln328Arg)

Gene: ARX (aristaless related homeobox; minus strand). Cytogenetic location: Xp21.3.
Variant type: single nucleotide variant.
Coding change: c.983A>G on transcript NM_139058.3 (MANE Select); coding-DNA position 983, A replaced by G.
Protein change: p.Gln328Arg; replaces glutamine 328 with arginine.
Molecular consequence: missense variant.
Genome position (GRCh38, 1-based): chrX:25,013,012, T>C on the plus strand (A>G on the coding strand, the complement: ARX is on the minus strand). VCF-style: chrX-25013012-T-C. GRCh37 (hg19) VCF-style: chrX-25031129-T-C.
Other names: short protein forms Q328R.
Identifiers: ClinVar variation 4891259 (VCV004891259.1), dbSNP rs398124521.

ClinVar aggregate classification (germline): Uncertain significance (1 of 4 stars; one submission).

Conditions:
Developmental and epileptic encephalopathy, 1 (DEE1). Also called: X-linked infantile spasms; West's syndrome; Tonic spasms with clustering, arrest of psychomotor development and hypsarrhythmia on EEG; INFANTILE SPASM SYNDROME, X-LINKED 1; X-Linked Infantile Spasm Syndrome; OHTAHARA SYNDROME, X-LINKED. Identifiers: MedGen C3463992, MONDO:0010632, OMIM 308350. Disease mechanism: loss of function.
Corpus callosum agenesis-abnormal genitalia syndrome. Also called: ACC WITH ABNORMAL GENITALIA; PROUD SYNDROME. Identifiers: Orphanet 2508, MedGen C0796124, MONDO:0010224, OMIM 300004.

Submission:

Clinical Genetics Laboratory, University Hospital Schleswig-Holstein
Classification: Uncertain significance for Developmental and epileptic encephalopathy, 1; Corpus callosum agenesis-abnormal genitalia syndrome. Last evaluated: 2025-10-24. Review status: criteria provided, single submitter. Criteria: ACMG Guidelines, 2015. Collection method: clinical testing. Allele origin: maternal. Affected: yes. Observed: 1 hemizygote.
Comment: ACMG criteria applied: PM2, PP3, PM1